The following is an entry in ClinVar:

ClinVar aggregate classification (germline): Uncertain significance (1 of 4 stars; one submission).

Allele frequency attached by ClinVar (database versions not stated): gnomAD exomes below 0.00001 and 0.00001; ExAC 0.00002.
gnomAD v4.1: 2 of 1,614,118 alleles (0.00012%); highest among the groups gnomAD compares: South Asian, 0.0022%; no homozygotes.

Submission:

Labcorp Genetics (formerly Invitae), Labcorp
Classification: Uncertain significance. Last evaluated: 2021-01-08. Review status: criteria provided, single submitter. Criteria: Invitae Variant Classification Sherloc (09022015). Collection method: clinical testing. Allele origin: germline.
Comment: In summary, the available evidence is currently insufficient to determine the role of this variant in disease. Therefore, it has been classified as a Variant of Uncertain Significance. Algorithms developed to predict the effect of missense changes on protein structure and function output the following: SIFT: "Tolerated"; PolyPhen-2: "Benign"; Align-GVGD: "Class C0". The isoleucine amino acid residue is found in multiple mammalian species, suggesting that this missense change does not adversely affect protein function. These predictions have not been confirmed by published functional studies and their clinical significance is uncertain. This variant has not been reported in the literature in individuals with POLE-related conditions. This variant is present in population databases (rs770996292, ExAC 0.01%). This sequence change replaces valine with isoleucine at codon 200 of the POLE protein (p.Val200Ile). The valine residue is weakly conserved and there is a small physicochemical difference between valine and isoleucine.

NM_006231.4(POLE):c.598G>A (p.Val200Ile)

Gene: POLE (DNA polymerase epsilon, catalytic subunit; minus strand). Cytogenetic location: 12q24.33.
Variant type: single nucleotide variant.
Coding change: c.598G>A on transcript NM_006231.4 (MANE Select); coding-DNA position 598, G replaced by A.
Protein change: p.Val200Ile; replaces valine 200 with isoleucine.
Molecular consequence: missense variant.
Genome position (GRCh38, 1-based): chr12:132,677,700, C>T on the plus strand (G>A on the coding strand, the complement: POLE is on the minus strand). VCF-style: chr12-132677700-C-T. GRCh37 (hg19) VCF-style: chr12-133254286-C-T.
Other names: short protein forms V200I.
Identifiers: ClinVar variation 1463157 (VCV001463157.8), dbSNP rs770996292, ClinGen allele CA6894256.